The following is an entry in ClinVar:

NM_024675.4(PALB2):c.2820_2821del (p.Glu940fs)

Gene: PALB2 (partner and localizer of BRCA2; minus strand). Cytogenetic location: 16p12.2.
Variant type: Deletion.
Coding change: c.2820_2821del on transcript NM_024675.4 (MANE Select); coding-DNA positions 2820 to 2821, 2 bases deleted (AA; older notation c.2820_2821delAA).
Protein change: p.Glu940fs; shifts the reading frame from glutamic acid 940.
Molecular consequence: frameshift variant.
Genome position (GRCh38, 1-based): chr16:23,624,022-23,624,023, TT deleted on the plus strand (AA on the coding strand, the reverse complement: PALB2 is on the minus strand); deleting any 2 consecutive bases within chr16:23,624,022-23,624,024 gives the same sequence; the c. name uses the placement nearest the transcript's 3' end. VCF-style (leftmost placement, unchanged base first): chr16-23624021-ATT-A. GRCh37 (hg19) VCF-style: chr16-23635342-ATT-A.
Other names: c.2760_2761del, p.Glu920fs (NM_001407296.1); c.2748_2749del, p.Glu916fs (NM_001407297.1); c.2658_2659del, p.Glu886fs (NM_001407298.1, NM_001407302.1); c.2820_2821del, p.Glu940fs (NM_001407299.1, NM_001407300.1, NM_001407301.1); c.1935_1936del, p.Glu645fs (NM_001407304.1, NM_001407305.1, NM_001407306.1 and 4 more transcripts); c.1773_1774del, p.Glu591fs (NM_001407307.1); c.1032_1033del, p.Glu344fs (NM_001407312.1, NM_001407313.1); c.354_355del, p.Glu118fs (NM_001407314.1); short protein forms E118fs, E344fs, E591fs, E645fs, E886fs, E916fs, E920fs, E940fs.
Identifiers: ClinVar variation 2674171 (VCV002674171.1), dbSNP rs2506348819, ClinGen allele CA2695197607.
Genomic context (GRCh38, chr16:23,624,021, plus strand): 5'-AGAGACAAAGATGAAGGAAAAACAAATCACTCCTTGGGAATTACATACCTGATCTCTCTG[ATT>A]TCCAAATTTCCCAAAGCTACACACACGAGATTATACACATCAGGCACTGGAACTATCTGT-3'

ClinVar aggregate classification (germline): Pathogenic (1 of 4 stars; one submission).

Conditions:
Familial cancer of breast. Also called: Hereditary breast cancer; BREAST CANCER, FAMILIAL; hereditary breast carcinoma. Identifiers: Orphanet 227535, MedGen C0346153, MONDO:0016419, OMIM 114480. Disease mechanism: loss of function.

Submission:

Myriad Genetics, Inc.
Classification: Pathogenic for Familial cancer of breast. Last evaluated: 2023-09-13. Review status: criteria provided, single submitter. Criteria: Myriad Autosomal Dominant, Autosomal Recessive and X-Linked Classification Criteria (2023). Collection method: clinical testing. Allele origin: unknown.
Comment: This variant is considered pathogenic. This variant creates a frameshift predicted to result in premature protein truncation.